The following is an entry in ClinVar:

NM_133433.4(NIPBL):c.2914G>A (p.Glu972Lys)

Gene: NIPBL (NIPBL cohesin loading factor; plus strand). Cytogenetic location: 5p13.2.
Variant type: single nucleotide variant.
Coding change: c.2914G>A on transcript NM_133433.4 (MANE Select); coding-DNA position 2914, G replaced by A.
Protein change: p.Glu972Lys; replaces glutamic acid 972 with lysine.
Molecular consequence: missense variant.
Genome position (GRCh38, 1-based): chr5:36,986,094, G>A. VCF-style: chr5-36986094-G-A. GRCh37 (hg19) VCF-style: chr5-36986196-G-A.
Other names: c.2914G>A, p.Glu972Lys (NM_015384.5); short protein forms E972K.
Identifiers: ClinVar variation 3592273 (VCV003592273.3).

ClinVar aggregate classification (germline): Uncertain significance. Review status: criteria provided, multiple submitters, no conflicts (2 of 4 stars). 2 submissions from 2 submitters: Uncertain significance (2). Last evaluated 2025-01-07.

Conditions:
Cornelia de Lange syndrome 1 (CDLS1). Also called: TYPUS DEGENERATIVUS AMSTELODAMENSIS; Brachmann de Lange syndrome; NIPBL-Related Cornelia de Lange Syndrome. Identifiers: Orphanet 199, MedGen C4551851, MONDO:0007387, OMIM 122470.

Submissions (2):

Dasa
Classification: Uncertain significance. Last evaluated: 2025-01-07. Review status: criteria provided, single submitter. Criteria: DASA Assertion Criteria. Collection method: clinical testing. Allele origin: germline.
Comment: NM_133433.4(NIPBL):c.2914G>A (p.Glu972Lys) is a missense variant that results in the substitution of glutamic acid with lysine. This variant is absent from population databases. Computational prediction algorithms are consistent with a benign effect. The currently available literature and clinical evidence are not sufficient to establish a definitive association between this variant and the reported condition. Therefore, this variant is classified as a variant of uncertain significance.

Fulgent Genetics
Classification: Uncertain significance for Cornelia de Lange syndrome 1. Last evaluated: 2024-03-13. Review status: criteria provided, single submitter. Criteria: ACMG Guidelines, 2015. Collection method: clinical testing. Allele origin: germline.